The following is an entry in ClinVar:

NM_005208.5(CRYBA1):c.626C>G (p.Ser209Trp)

Gene: CRYBA1 (crystallin beta A1; plus strand). Cytogenetic location: 17q11.2.
Variant type: single nucleotide variant.
Coding change: c.626C>G on transcript NM_005208.5 (MANE Select); coding-DNA position 626, C replaced by G.
Protein change: p.Ser209Trp; replaces serine 209 with tryptophan.
Molecular consequence: missense variant.
Genome position (GRCh38, 1-based): chr17:29,254,327, C>G. VCF-style: chr17-29254327-C-G. GRCh37 (hg19) VCF-style: chr17-27581345-C-G.
Other names: short protein forms S209W.
Identifiers: ClinVar variation 1184515 (VCV001184515.3), dbSNP rs2153009764, ClinGen allele CA398477525.
Genomic context (GRCh38, chr17:29,254,327, plus strand): 5'-GAGGAGACTATAAACATTGGAGAGAGTGGGGCTCTCATGCCCAGACTTCGCAGATCCAAT[C>G]GATTCGCCGAATCCAACAGTAGCTGATTAAAAGCTCCAAGTACGATAATTCCTCAAGCAT-3'
Protein context (NP_005199.2, residues 199-215): GSHAQTSQIQ[Ser209Trp]IRRIQQ

ClinVar aggregate classification (germline): Pathogenic. Review status: criteria provided, single submitter (1 of 4 stars). 2 submissions from 2 submitters: Pathogenic (1). 1 of the submissions does not count toward it. Last evaluated 2026-08-25.

Conditions:
Cataract 10 multiple types. Also called: CATARACT 10, CONGENITAL ZONULAR, WITH SUTURAL OPACITIES. Identifiers: Orphanet 91492, MedGen C1833229, MONDO:0010948, OMIM 600881.
Bilateral congenital or childhood onset cataracts.

Submissions (2):

North West Genomic Laboratory Hub, Manchester University NHS Foundation Trust
Classification: Pathogenic for Bilateral congenital or childhood onset cataracts. Last evaluated: 2026-08-25. Review status: criteria provided, single submitter. Criteria: ACGS Best Practice Guidelines for Variant Classification in Rare Disease 2024. Collection method: clinical testing. Allele origin: germline. Affected: yes.
Comment: PM1_Str PP1_Supp PP4_Supp PP3_Supp PM2_Mod PS4_Mod

Genomics England Pilot Project, Genomics England
Classification: Likely pathogenic for Cataract 10 multiple types. Review status: no assertion criteria provided. Criteria: ACGS Guidelines, 2016. Collection method: clinical testing. Allele origin: germline. Affected: yes. Not counted in ClinVar's aggregate classification.